The following is an entry in ClinVar:

NM_005585.5(SMAD6):c.467_473del (p.Gly156fs)

Gene: SMAD6 (SMAD family member 6; plus strand). Cytogenetic location: 15q22.31.
Variant type: Deletion.
Coding change: c.467_473del on transcript NM_005585.5 (MANE Select); coding-DNA positions 467 to 473, 7 bases deleted (GGCGGAG; older notation c.467_473delGGCGGAG).
Protein change: p.Gly156fs; shifts the reading frame from glycine 156.
Molecular consequence: frameshift variant. On other transcripts: non-coding transcript variant (1).
Genome position (GRCh38, 1-based): chr15:66,703,725-66,703,731, GGCGGAG deleted; deleting any 7 consecutive bases within chr15:66,703,724-66,703,731 gives the same sequence; the c. name uses the placement nearest the transcript's 3' end. VCF-style (leftmost placement, unchanged base first): chr15-66703723-CGGGCGGA-C. GRCh37 (hg19) VCF-style: chr15-66996061-CGGGCGGA-C.
Other names: short protein forms G156fs.
Identifiers: ClinVar variation 4704051 (VCV004704051.1).
Genomic context (GRCh38, chr15:66,703,723, plus strand): 5'-CGGCGCGCCCCGGGACGCCAGCGACCCCCTGGCCGGGGCGGCCCTGGAGCCGGCGGGCGG[CGGGCGGA>C]GTCGCGAAGCGCGCTCGCGGCTGCTGCTGCTGGAGCAGGAACTCAAAACCGTCACGTACT-3'

ClinVar aggregate classification (germline): Pathogenic (1 of 4 stars; one submission).

Conditions:
Aortic valve disease 2 (AOVD2). Identifiers: MedGen C3542024, MONDO:0013902, OMIM 614823.

Submission:

Labcorp Genetics (formerly Invitae), Labcorp
Classification: Pathogenic for Aortic valve disease 2. Last evaluated: 2026-01-19. Review status: criteria provided, single submitter. Criteria: Invitae Variant Classification Sherloc (09022015). Collection method: clinical testing. Allele origin: germline.
Comment: This sequence change creates a premature translational stop signal (p.Gly156Valfs*23) in the SMAD6 gene. It is expected to result in an absent or disrupted protein product. Loss-of-function variants in SMAD6 are known to be pathogenic (PMID: 28659821, 31138930, 32499606, 34953066). This variant is not present in population databases (gnomAD no frequency). This premature translational stop signal has been observed in individual(s) with SMAD6-related conditions (PMID: 28659821, 31138930). For these reasons, this variant has been classified as Pathogenic.

Literature cited by the submitters: PubMed 28659821; PubMed 31138930; PubMed 32499606; PubMed 34953066.